The following is an entry in ClinVar:

NM_001283009.2(RTEL1):c.2887C>A (p.Gln963Lys)

Genes: RTEL1 (regulator of telomere elongation helicase 1; plus strand), RTEL1-TNFRSF6B (RTEL1-TNFRSF6B readthrough (NMD candidate); plus strand). Cytogenetic location: 20q13.33.
Variant type: single nucleotide variant.
Coding change: c.2887C>A on transcript NM_001283009.2 (MANE Select); coding-DNA position 2887, C replaced by A.
Protein change: p.Gln963Lys; replaces glutamine 963 with lysine.
Molecular consequence: missense variant. On other transcripts: non-coding transcript variant (1).
Genome position (GRCh38, 1-based): chr20:63,693,178, C>A. VCF-style: chr20-63693178-C-A. GRCh37 (hg19) VCF-style: chr20-62324531-C-A.
Other names: c.2218C>A, p.Gln740Lys (NM_001283010.1); c.2887C>A, p.Gln963Lys (NM_016434.4); c.2959C>A, p.Gln987Lys (NM_032957.5); short protein forms Q987K, Q740K, Q963K.
Identifiers: ClinVar variation 3791054 (VCV003791054.1).

ClinVar aggregate classification (germline): Uncertain significance (1 of 4 stars; one submission).

Conditions:
Inborn genetic diseases. Identifiers: MedGen C0950123, MeSH D030342.

Submission:

Ambry Genetics
Classification: Uncertain significance for Inborn genetic diseases. Last evaluated: 2025-01-10. Review status: criteria provided, single submitter. Criteria: Ambry Variant Classification Scheme 2023. Collection method: clinical testing. Allele origin: germline.
Comment: The p.Q963K variant (also known as c.2887C>A), located in coding exon 29 of the RTEL1 gene, results from a C to A substitution at nucleotide position 2887. The glutamine at codon 963 is replaced by lysine, an amino acid with similar properties. This amino acid position is conserved. In addition, this alteration is predicted to be tolerated by in silico analysis. Based on the available evidence, the clinical significance of this variant remains unclear.